The following is an entry in ClinVar:

ClinVar aggregate classification (germline): Uncertain significance. Review status: criteria provided, multiple submitters, no conflicts (2 of 4 stars). 2 submissions from 2 submitters: Uncertain significance (2). Last evaluated 2025-06-08.

Conditions:
Inborn genetic diseases. Identifiers: MedGen C0950123, MeSH D030342.

gnomAD v4.1: 4 of 1,614,068 alleles (0.00025%); highest among the groups gnomAD compares: Non-Finnish European, 0.00034%; no homozygotes.

Submissions (2):

Ambry Genetics
Classification: Uncertain significance for Inborn genetic diseases. Last evaluated: 2025-06-08. Review status: criteria provided, single submitter. Criteria: Ambry Variant Classification Scheme 2023. Collection method: clinical testing. Allele origin: germline.

Labcorp Genetics (formerly Invitae), Labcorp
Classification: Uncertain significance. Last evaluated: 2024-05-28. Review status: criteria provided, single submitter. Criteria: Invitae Variant Classification Sherloc (09022015). Collection method: clinical testing. Allele origin: germline.
Comment: This sequence change replaces isoleucine, which is neutral and non-polar, with valine, which is neutral and non-polar, at codon 365 of the SEC61A1 protein (p.Ile365Val). This variant is present in population databases (rs148375861, gnomAD 0.002%). This variant has not been reported in the literature in individuals affected with SEC61A1-related conditions. Advanced modeling of protein sequence and biophysical properties (such as structural, functional, and spatial information, amino acid conservation, physicochemical variation, residue mobility, and thermodynamic stability) performed at Invitae indicates that this missense variant is not expected to disrupt SEC61A1 protein function with a negative predictive value of 80%. In summary, the available evidence is currently insufficient to determine the role of this variant in disease. Therefore, it has been classified as a Variant of Uncertain Significance.

NM_013336.4(SEC61A1):c.1093A>G (p.Ile365Val)

Genes: RUVBL1 (RuvB like AAA ATPase 1; minus strand), SEC61A1 (SEC61 translocon subunit alpha 1; plus strand). Cytogenetic location: 3q21.3.
Variant type: single nucleotide variant.
Coding change: c.1093A>G on transcript NM_013336.4 (MANE Select); coding-DNA position 1093, A replaced by G.
Protein change: p.Ile365Val; replaces isoleucine 365 with valine.
Molecular consequence: missense variant. On other transcripts: intron variant (1).
Genome position (GRCh38, 1-based): chr3:128,067,538, A>G. VCF-style: chr3-128067538-A-G. GRCh37 (hg19) VCF-style: chr3-127786381-A-G.
Other names: c.1111A>G, p.Ile371Val (NM_001400328.1); c.934A>G, p.Ile312Val (NM_001400329.1); c.940-2318T>C (NM_001319086.1); short protein forms I312V, I365V, I371V.
Identifiers: ClinVar variation 3700160 (VCV003700160.3).